The following is an entry in ClinVar:

NM_001171613.2(PREPL):c.1445C>A (p.Ser482Tyr)

Gene: PREPL (prolyl endopeptidase like; minus strand). Cytogenetic location: 2p21.
Variant type: single nucleotide variant.
Coding change: c.1445C>A on transcript NM_001171613.2 (MANE Select); coding-DNA position 1445, C replaced by A.
Protein change: p.Ser482Tyr; replaces serine 482 with tyrosine.
Molecular consequence: missense variant.
Genome position (GRCh38, 1-based): chr2:44,326,746, G>T on the plus strand (C>A on the coding strand, the complement: PREPL is on the minus strand). VCF-style: chr2-44326746-G-T. GRCh37 (hg19) VCF-style: chr2-44553885-G-T.
Other names: c.1712C>A, p.Ser571Tyr (NM_006036.4, NM_001171603.1, NM_001171606.2 and 2 more transcripts); c.1526C>A, p.Ser509Tyr (NM_001042385.2); c.1514C>A, p.Ser505Tyr (NM_001042386.2); c.1445C>A, p.Ser482Tyr (NM_001171617.1, NM_001374277.1); short protein forms S482Y, S505Y, S509Y, S571Y.
Identifiers: ClinVar variation 840188 (VCV000840188.9), dbSNP rs13402626, ClinGen allele CA1641115.

ClinVar aggregate classification (germline): Uncertain significance (1 of 4 stars; one submission).

Conditions:
Myasthenic syndrome, congenital, 22 (CMS22). Also called: PREPL DEFICIENCY. Identifiers: MedGen C4479088, MONDO:0044299, OMIM 616224.

Allele frequency attached by ClinVar (database versions not stated): gnomAD 0.00001; 1000 Genomes Project 0.00020; 1000 Genomes Project 30x 0.00031.
gnomAD v4.1: 2 of 1,614,110 alleles (0.00012%); highest among the groups gnomAD compares: African/African-American, 0.0027%; no homozygotes.

Submission:

Labcorp Genetics (formerly Invitae), Labcorp
Classification: Uncertain significance for Myasthenic syndrome, congenital, 22. Last evaluated: 2022-10-25. Review status: criteria provided, single submitter. Criteria: Invitae Variant Classification Sherloc (09022015). Collection method: clinical testing. Allele origin: germline.
Comment: This variant is present in population databases (rs13402626, gnomAD 0.007%). In summary, the available evidence is currently insufficient to determine the role of this variant in disease. Therefore, it has been classified as a Variant of Uncertain Significance. Advanced modeling of protein sequence and biophysical properties (such as structural, functional, and spatial information, amino acid conservation, physicochemical variation, residue mobility, and thermodynamic stability) performed at Invitae indicates that this missense variant is not expected to disrupt PREPL protein function. ClinVar contains an entry for this variant (Variation ID: 840188). This variant has not been reported in the literature in individuals affected with PREPL-related conditions. This sequence change replaces serine, which is neutral and polar, with tyrosine, which is neutral and polar, at codon 571 of the PREPL protein (p.Ser571Tyr).